The following is an entry in ClinVar:

NM_024598.4(USB1):c.630C>A (p.Ser210Arg)

Gene: USB1 (U6 snRNA biogenesis phosphodiesterase 1; plus strand). Cytogenetic location: 16q21.
Variant type: single nucleotide variant.
Coding change: c.630C>A on transcript NM_024598.4 (MANE Select); coding-DNA position 630, C replaced by A.
Protein change: p.Ser210Arg; replaces serine 210 with arginine.
Molecular consequence: missense variant.
Genome position (GRCh38, 1-based): chr16:58,018,992, C>A. VCF-style: chr16-58018992-C-A. GRCh37 (hg19) VCF-style: chr16-58052896-C-A.
Other names: c.576C>A, p.Ser192Arg (NM_001195302.2); c.477C>A, p.Ser159Arg (NM_001330568.2); short protein forms S159R, S192R, S210R.
Identifiers: ClinVar variation 4634217 (VCV004634217.1).

ClinVar aggregate classification (germline): Uncertain significance (1 of 4 stars; one submission).

Conditions:
Inborn genetic diseases. Identifiers: MedGen C0950123, MeSH D030342.

Submission:

Ambry Genetics
Classification: Uncertain significance for Inborn genetic diseases. Last evaluated: 2025-11-28. Review status: criteria provided, single submitter. Criteria: Ambry Variant Classification Scheme 2023. Collection method: clinical testing. Allele origin: germline.
Comment: The p.S210R variant (also known as c.630C>A), located in coding exon 6 of the USB1 gene, results from a C to A substitution at nucleotide position 630. The serine at codon 210 is replaced by arginine, an amino acid with dissimilar properties. This amino acid position is conserved. In addition, this alteration is predicted to be deleterious by in silico analysis. Based on the available evidence, the clinical significance of this variant remains unclear.